The following is an entry in ClinVar:

ClinVar aggregate classification (germline): Benign (1 of 4 stars; one submission).

Conditions:
Dent disease type 1 (DENT1). Also called: NEPHROLITHIASIS 2; NEPHROLITHIASIS, HYPERCALCIURIC, X-LINKED. Identifiers: Orphanet 1652, Orphanet 93622, MedGen C1848336, MONDO:0010225, OMIM 300009.

Allele frequency attached by ClinVar (database versions not stated): gnomAD 0.00016 and 0.00069; TOPMed 0.00017; 1000 Genomes Project 30x 0.00499; 1000 Genomes Project 0.00503.

Submission:

Illumina Laboratory Services, Illumina
Classification: Benign for Dent disease type 1. Last evaluated: 2018-01-13. Review status: criteria provided, single submitter. Criteria: ICSL Variant Classification Criteria 13 December 2019. Collection method: clinical testing. Allele origin: germline.
Comment: This variant was observed in the ICSL laboratory as part of a predisposition screen in an ostensibly healthy population. It had not been previously curated by ICSL or reported in the Human Gene Mutation Database (HGMD: prior to June 1st, 2018), and was therefore a candidate for classification through an automated scoring system. Utilizing variant allele frequency, disease prevalence and penetrance estimates, and inheritance mode, an automated score was calculated to assess if this variant is too frequent to cause the disease. Based on the score and internal cut-off values, a variant classified as benign is not then subjected to further curation. The score for this variant resulted in a classification of benign for this disease.

NM_001127898.4(CLCN5):c.*6538G>A

Gene: CLCN5 (Cl-/H+ antiporter 5; plus strand). Cytogenetic location: Xp11.23.
Variant type: single nucleotide variant.
Coding change: c.*6538G>A on transcript NM_001127898.4 (MANE Select); 6538 bases downstream of the stop codon, G replaced by A.
Molecular consequence: 3 prime UTR variant.
Genome position (GRCh38, 1-based): chrX:50,098,757, G>A. VCF-style: chrX-50098757-G-A. GRCh37 (hg19) VCF-style: chrX-49863414-G-A.
Other names: c.*6538G>A (NM_001127899.4, NM_000084.5, NM_001282163.2).
Identifiers: ClinVar variation 368535 (VCV000368535.5), dbSNP rs781863818, ClinGen allele CA10646278.